The following is an entry in ClinVar:

ClinVar aggregate classification (germline): Benign. Review status: reviewed by expert panel (3 of 4 stars). 18 submissions from 18 submitters: Benign (1). 17 of the submissions do not count toward it. Last evaluated 2019-06-18.

Conditions:
Hereditary cancer-predisposing syndrome. Also called: Tumor predisposition; Neoplastic Syndromes, Hereditary; Hereditary Cancer Syndrome; Hereditary neoplastic syndrome. Identifiers: Orphanet 140162, MedGen C0027672, MeSH D009386, MONDO:0015356.
BRCA1-related disorder. Also called: BRCA1-related condition.
Breast and/or ovarian cancer. Identifiers: MedGen CN221562.
Hereditary breast ovarian cancer syndrome. Also called: Hereditary breast and ovarian cancer syndrome (HBOC); Hereditary breast and ovarian cancer syndrome; Hereditary breast and ovarian cancer; Hereditary breast and/or ovarian cancer syndrome; Breast and ovarian cancer; BRCA1- and BRCA2-Associated Hereditary Breast and Ovarian Cancer. Identifiers: Orphanet 145, MedGen C0677776, MeSH D061325, MONDO:0003582. Disease mechanism: loss of function.
Breast-ovarian cancer, familial, susceptibility to, 1 (BROVCA1). Also called: OVARIAN CANCER, SUSCEPTIBILITY TO; BRCA1 Hereditary Breast and Ovarian Cancer. Identifiers: Orphanet 145, MedGen C2676676, MONDO:0011450, OMIM 604370. Disease mechanism: loss of function.
Malignant tumor of breast. Also called: Malignant breast neoplasm; Cancer breast. Identifiers: MedGen C0006142, MONDO:0007254. Disease mechanism: loss of function.

Allele frequency attached by ClinVar (database versions not stated): ExAC 0.00004; gnomAD exomes 0.00004 and 0.00005; gnomAD 0.00006; TOPMed 0.00008; ESP Exome Variant Server 0.00015.
gnomAD v4.1: 60 of 1,614,080 alleles (0.0037%); highest among the groups gnomAD compares: Non-Finnish European, 0.0048%; no homozygotes.

Submissions 1 to 14 of 18:

Evidence-based Network for the Interpretation of Germline Mutant Alleles (ENIGMA)
Classification: Benign for Breast-ovarian cancer, familial, susceptibility to, 1. Last evaluated: 2019-06-18. Review status: reviewed by expert panel. Criteria: ENIGMA BRCA1/2 Classification Criteria (2017-06-29). Collection method: curation. Allele origin: germline.
Comment: IARC class based on posterior probability from multifactorial likelihood analysis, thresholds for class as per Plon et al. 2008 (PMID: 18951446). Class 1 based on posterior probability = 2.21E-06

Labcorp Genetics (formerly Invitae), Labcorp
Classification: Benign for Hereditary breast ovarian cancer syndrome. Last evaluated: 2026-01-14. Review status: criteria provided, single submitter. Criteria: Invitae Variant Classification Sherloc (09022015). Collection method: clinical testing. Allele origin: germline. Not counted in ClinVar's aggregate classification.

Mayo Clinic Laboratories, Mayo Clinic
Classification: Likely benign. Last evaluated: 2025-09-17. Review status: criteria provided, single submitter. Criteria: ACMG Guidelines, 2015. Collection method: clinical testing. Allele origin: germline. Observed: 1 variant allele. Not counted in ClinVar's aggregate classification.
Comment: BS1_supporting, BP1_strong

Quest Diagnostics Nichols Institute San Juan Capistrano
Classification: Likely benign. Last evaluated: 2025-09-16. Review status: criteria provided, single submitter. Criteria: Quest Diagnostics criteria. Collection method: clinical testing. Allele origin: unknown. Not counted in ClinVar's aggregate classification.

PreventionGenetics, part of Exact Sciences
Classification: Likely benign for BRCA1-related condition. Last evaluated: 2025-08-25. Review status: criteria provided, single submitter. Criteria: ACMG Guidelines, 2015. Collection method: clinical testing. Allele origin: germline. Not counted in ClinVar's aggregate classification.
Comment: This variant is classified as likely benign based on ACMG/AMP sequence variant interpretation guidelines (Richards et al. 2015 PMID: 25741868, with internal and published modifications).

Color Diagnostics, LLC DBA Color Health
Classification: Benign for Hereditary cancer-predisposing syndrome. Last evaluated: 2024-09-17. Review status: criteria provided, single submitter. Criteria: ACMG Guidelines, 2015. Collection method: clinical testing. Allele origin: germline. Not counted in ClinVar's aggregate classification.

Blueprint Genetics
Classification: Likely benign. Last evaluated: 2024-08-29. Review status: criteria provided, single submitter. Criteria: ACMG Guidelines, 2015. Collection method: clinical testing. Allele origin: germline. Not counted in ClinVar's aggregate classification.

ARUP Laboratories, Molecular Genetics and Genomics, ARUP Laboratories
Classification: Benign. Last evaluated: 2024-08-05. Review status: criteria provided, single submitter. Criteria: ARUP Molecular Germline Variant Investigation Process 2024. Collection method: clinical testing. Allele origin: germline. Not counted in ClinVar's aggregate classification.

CHEO Genetics Diagnostic Laboratory, Children's Hospital of Eastern Ontario
Classification: Likely benign for Breast and/or ovarian cancer. Last evaluated: 2023-05-23. Review status: criteria provided, single submitter. Criteria: ACMG Guidelines, 2015. Collection method: clinical testing. Allele origin: germline. Not counted in ClinVar's aggregate classification.

Sema4
Classification: Uncertain significance for Hereditary cancer-predisposing syndrome. Last evaluated: 2021-12-07. Review status: criteria provided, single submitter. Criteria: Sema4 Curation Guidelines. Collection method: curation. Allele origin: germline. Not counted in ClinVar's aggregate classification.
Comment: The BRCA1 c.946A>G (p.S316G) variant has been reported in heterozygosity in at least 6 individuals with breast cancer, ovarian cancer and/or hereditary breast and ovarian cancer (PMID: 27062684, 18284688, 16267036, 24094589, 26689913, 28477318). Functional studies have shown that this variant causes decreased proliferation and increased polyploid cell fractions (PMID: 26246475); however, it did not alter splicing, radiation sensitivity, genomic instability, and HDR activity (PMID: 18273839, 26246475, 26689913). It is also known as c.1065A>G in the literature. This variant was observed in 13/129130 chromosomes in the European (non-Finnish) population, according to the Genome Aggregation Database (PMID: 32461654). This variant has been reported in ClinVar (Variation ID: 37709). In silico tools suggest the impact of the variant on protein function is deleterious, though functional studies have been inconclusive. The evidence is insufficient to meet ACMG/AMP criteria for classifying the variant as benign or pathogenic. Thus, the clinical significance of this variant is currently uncertain.

GeneDx
Classification: Likely benign. Last evaluated: 2021-04-25. Review status: criteria provided, single submitter. Criteria: GeneDx Variant Classification Process June 2021. Collection method: clinical testing. Allele origin: germline. Affected: yes. Not counted in ClinVar's aggregate classification.
Comment: This variant is associated with the following publications: (PMID: 23893897, 16518693, 12531920, 16267036, 15385441, 18273839, 26689913, 26246475, 18284688, 22144684, 25925381, 28477318, 26913838, 27062684, 25479140, 24094589, 33087888)

Ambry Genetics
Classification: Likely benign for Hereditary cancer-predisposing syndrome. Last evaluated: 2018-11-05. Review status: criteria provided, single submitter. Criteria: Ambry Variant Classification Scheme 2023. Collection method: clinical testing. Allele origin: germline. Not counted in ClinVar's aggregate classification.

Women's Health and Genetics/Laboratory Corporation of America, LabCorp
Classification: Likely benign. Last evaluated: 2018-09-17. Review status: criteria provided, single submitter. Criteria: LabCorp Variant Classification Summary - May 2015. Collection method: clinical testing. Allele origin: germline. Not counted in ClinVar's aggregate classification.
Comment: Variant summary: BRCA1 c.946A>G (p.Ser316Gly) results in a non-conservative amino acid change in the encoded protein sequence. Five of five in-silico tools predict a damaging effect of the variant on protein function. The variant allele was found at a frequency of 4.7e-05 in 277152 control chromosomes (gnomAD). This frequency is not significantly higher than expected for a pathogenic variant in BRCA1 causing Hereditary Breast and Ovarian Cancer (4.7e-05 vs 0.001), allowing no conclusion about variant significance. The variant, c.946A>G, has been reported in the literature in individuals affected with Hereditary Breast and Ovarian Cancer (Judkins_2005, Lee_2008, Azzollini_2016). These report(s) do not provide unequivocal conclusions about association of the variant with Hereditary Breast and Ovarian Cancer. Co-occurrences with other pathogenic variants have been reported in the UMD database (BRCA1 c.3228_3229delAG, p.Gly1077ALafsX8; BRCA2 c.6209_6212delAAAG, p.Glu2070ValfsX10), providing supporting evidence for a benign role. Multiple functional studies showed no impact on splicing, no sensitivity increase to ionizing radiation and an HDR assay showed no significant changes from wild-type (Anczukow_2008, Cochran_2015, Lu_2015). Six clinical diagnostic laboratories have submitted clinical-significance assessments for this variant to ClinVar after 2014 without evidence for independent evaluation. Multiple laboratories reported the variant with conflicting assessments (VUS x3, likely benign x2, benign x1). Based on the evidence outlined above, the variant was classified as likely benign.

Illumina Laboratory Services, Illumina
Classification: Uncertain significance for Breast-ovarian cancer, familial, susceptibility to, 1. Last evaluated: 2018-01-12. Review status: criteria provided, single submitter. Criteria: ICSL Variant Classification Criteria 13 December 2019. Collection method: clinical testing. Allele origin: germline. Not counted in ClinVar's aggregate classification.

NM_007294.4(BRCA1):c.946A>G (p.Ser316Gly)

Gene: BRCA1 (BRCA1 DNA repair associated; minus strand). Cytogenetic location: 17q21.31.
Variant type: single nucleotide variant.
Coding change: c.946A>G on transcript NM_007294.4 (MANE Select); coding-DNA position 946, A replaced by G.
Protein change: p.Ser316Gly; replaces serine 316 with glycine.
Molecular consequence: missense variant. On other transcripts: intron variant (137).
Genome position (GRCh38, 1-based): chr17:43,094,585, T>C on the plus strand (A>G on the coding strand, the complement: BRCA1 is on the minus strand). VCF-style: chr17-43094585-T-C. GRCh37 (hg19) VCF-style: chr17-41246602-T-C.
Other names: 1065A>G; c.733A>G, p.Ser245Gly (NM_001407899.1, NM_001407915.1, NM_001407916.1 and 9 more transcripts); c.736A>G, p.Ser246Gly (NM_001407900.1, NM_001407902.1, NM_001407904.1 and 13 more transcripts); c.823A>G, p.Ser275Gly (NM_001407919.1, NM_001407937.1, NM_001407938.1 and 19 more transcripts); c.682A>G, p.Ser228Gly (NM_001407920.1, NM_001407921.1, NM_001407922.1 and 9 more transcripts); c.679A>G, p.Ser227Gly (NM_001407930.1, NM_001407931.1, NM_001407932.1 and 2 more transcripts); c.820A>G, p.Ser274Gly (NM_001407940.1, NM_001407941.1, NM_001407649.1 and 11 more transcripts); c.805A>G, p.Ser269Gly (NM_001407942.1, NM_001407944.1, NM_001407945.1 and 29 more transcripts); and 41 more; short protein forms S316G, S269G, S148G, S20G, S245G, S289G, S227G, S274G.
Identifiers: ClinVar variation 37709 (VCV000037709.40), dbSNP rs55874646, ClinGen allele CA003978.
Genomic context (GRCh38, chr17:43,094,585, plus strand): 5'-TGCTGGGAGTCCGCCTATCATTACATGTTTCCTTACTTCCAGCCCATCTGTTATGTTGGC[T>C]CCTTGCTAAGCCAGGCTGTTTGCTTTTATTACAGAATTCAGCCTTTTCTACATTCATTCT-3'
Protein context (NP_009225.1, residues 306-326): NKSKQPGLAR[Ser316Gly]QHNRWAGSKE